The following is an entry in ClinVar:

ClinVar aggregate classification (germline): Uncertain significance (1 of 4 stars; one submission).

Conditions:
Developmental and epileptic encephalopathy, 32 (DEE32). Also called: Epileptic encephalopathy, early infantile, 32. Identifiers: Orphanet 442835, MedGen C4225350, MONDO:0014607, OMIM 616366.

gnomAD v4.1: 1 of 1,614,150 alleles (0.000062%); highest among the groups gnomAD compares: Non-Finnish European, 0.000085%; no homozygotes.

Submission:

Labcorp Genetics (formerly Invitae), Labcorp
Classification: Uncertain significance for Developmental and epileptic encephalopathy, 32. Last evaluated: 2024-04-25. Review status: criteria provided, single submitter. Criteria: Invitae Variant Classification Sherloc (09022015). Collection method: clinical testing. Allele origin: germline.
Comment: This sequence change replaces serine, which is neutral and polar, with asparagine, which is neutral and polar, at codon 449 of the KCNA2 protein (p.Ser449Asn). This variant is not present in population databases (gnomAD no frequency). This variant has not been reported in the literature in individuals affected with KCNA2-related conditions. Advanced modeling of protein sequence and biophysical properties (such as structural, functional, and spatial information, amino acid conservation, physicochemical variation, residue mobility, and thermodynamic stability) performed at Invitae indicates that this missense variant is not expected to disrupt KCNA2 protein function with a negative predictive value of 95%. In summary, the available evidence is currently insufficient to determine the role of this variant in disease. Therefore, it has been classified as a Variant of Uncertain Significance.

NM_004974.4(KCNA2):c.1346G>A (p.Ser449Asn)

Gene: KCNA2 (potassium voltage-gated channel subfamily A member 2; minus strand). Cytogenetic location: 1p13.3.
Variant type: single nucleotide variant.
Coding change: c.1346G>A on transcript NM_004974.4 (MANE Select); coding-DNA position 1346, G replaced by A.
Protein change: p.Ser449Asn; replaces serine 449 with asparagine.
Molecular consequence: missense variant. On other transcripts: intron variant (1).
Genome position (GRCh38, 1-based): chr1:110,603,437, C>T on the plus strand (G>A on the coding strand, the complement: KCNA2 is on the minus strand). VCF-style: chr1-110603437-C-T. GRCh37 (hg19) VCF-style: chr1-111146059-C-T.
Other names: c.894+452G>A (NM_001204269.2); short protein forms S449N.
Identifiers: ClinVar variation 3613835 (VCV003613835.2).